The following is an entry in ClinVar:

ClinVar aggregate classification (germline): Conflicting classifications of pathogenicity. Review status: criteria provided, conflicting classifications (1 of 4 stars). 13 submissions from 13 submitters: Uncertain significance (10); Likely benign (2). 1 of the submissions does not count toward it. Last evaluated 2025-11-10.

Conditions:
BRCA2-related disorder. Also called: BRCA2-related condition; BRCA2-related disorders. Identifiers: MedGen CN239275.
Familial cancer of breast. Also called: Hereditary breast cancer; BREAST CANCER, FAMILIAL; hereditary breast carcinoma. Identifiers: Orphanet 227535, MedGen C0346153, MONDO:0016419, OMIM 114480. Disease mechanism: loss of function.
Breast-ovarian cancer, familial, susceptibility to, 2 (BROVCA2). Also called: BRCA2 Hereditary Breast and Ovarian Cancer. Identifiers: Orphanet 145, MedGen C2675520, MONDO:0012933, OMIM 612555. Disease mechanism: loss of function.
Hereditary cancer-predisposing syndrome. Also called: Tumor predisposition; Hereditary Cancer Syndrome; Neoplastic Syndromes, Hereditary; Hereditary neoplastic syndrome. Identifiers: Orphanet 140162, MedGen C0027672, MeSH D009386, MONDO:0015356.
Breast and/or ovarian cancer. Identifiers: MedGen CN221562.
Hereditary breast ovarian cancer syndrome. Also called: Hereditary breast and/or ovarian cancer syndrome; BRCA1- and BRCA2-Associated Hereditary Breast and Ovarian Cancer; Hereditary breast and ovarian cancer; Hereditary breast and ovarian cancer syndrome (HBOC); Breast and ovarian cancer; Hereditary breast and ovarian cancer syndrome. Identifiers: Orphanet 145, MedGen C0677776, MeSH D061325, MONDO:0003582. Disease mechanism: loss of function.

Allele frequency attached by ClinVar (database versions not stated): gnomAD exomes below 0.00001; TOPMed below 0.00001; ESP Exome Variant Server 0.00008.
gnomAD v4.1: 3 of 1,613,802 alleles (0.00019%); highest among the groups gnomAD compares: Non-Finnish European, 0.00017%; no homozygotes.

Submissions (13):

Labcorp Genetics (formerly Invitae), Labcorp
Classification: Uncertain significance for Hereditary breast ovarian cancer syndrome. Last evaluated: 2025-11-10. Review status: criteria provided, single submitter. Criteria: Invitae Variant Classification Sherloc (09022015). Collection method: clinical testing. Allele origin: germline.
Comment: This sequence change replaces histidine, which is basic and polar, with glutamine, which is neutral and polar, at codon 2365 of the BRCA2 protein (p.His2365Gln). This variant is not present in population databases (gnomAD no frequency). This missense change has been observed in individual(s) with lung adenocarcinoma (PMID: 26689913, 28843361). ClinVar contains an entry for this variant (Variation ID: 216255). Invitae Evidence Modeling of protein sequence and biophysical properties (such as structural, functional, and spatial information, amino acid conservation, physicochemical variation, residue mobility, and thermodynamic stability) indicates that this missense variant is not expected to disrupt BRCA2 protein function with a negative predictive value of 95%. In summary, the available evidence is currently insufficient to determine the role of this variant in disease. Therefore, it has been classified as a Variant of Uncertain Significance.

Color Diagnostics, LLC DBA Color Health
Classification: Likely benign for Hereditary cancer-predisposing syndrome. Last evaluated: 2025-10-21. Review status: criteria provided, single submitter. Criteria: ACMG Guidelines, 2015. Collection method: clinical testing. Allele origin: germline.

MGZ Medical Genetics Center
Classification: Likely benign for Familial cancer of breast. Last evaluated: 2024-02-09. Review status: criteria provided, single submitter. Criteria: CSpec BRCA1/2ACMG Rules Specifications V1.1.0. Collection method: clinical testing. Allele origin: germline. Affected: yes.
Comment: ACMG codes applied following ENIGMA VCEP rules: BP1_STR, PM2_SUP

Institute for Genomic Medicine (IGM) Clinical Laboratory, Nationwide Children's Hospital
Classification: Uncertain significance for Hereditary cancer-predisposing syndrome. Last evaluated: 2024-01-16. Review status: criteria provided, single submitter. Criteria: ACMG Guidelines, 2015. Collection method: clinical testing. Allele origin: germline.
Comment: This variant is absent from or present at an exceedingly low frequency in gnomAD, a large-scale control population database (ACMG/AMP: PM2). This variant results in a missense alteration in a gene for which primarily truncating variants are known to cause disease (ACMG/AMP: BP1).

Department of Pathology and Laboratory Medicine, Sinai Health System
Classification: Uncertain significance for Familial cancer of breast; Breast-ovarian cancer, familial, susceptibility to, 2. Last evaluated: 2023-11-09. Review status: criteria provided, single submitter. Criteria: ACMG Guidelines, 2015. Collection method: clinical testing. Allele origin: germline. Affected: yes.

Ambry Genetics
Classification: Uncertain significance for Hereditary cancer-predisposing syndrome. Last evaluated: 2023-11-03. Review status: criteria provided, single submitter. Criteria: Ambry Variant Classification Scheme 2023. Collection method: clinical testing. Allele origin: germline.
Comment: The p.H2365Q variant (also known as c.7095T>A), located in coding exon 13 of the BRCA2 gene, results from a T to A substitution at nucleotide position 7095. The histidine at codon 2365 is replaced by glutamine, an amino acid with highly similar properties. This amino acid position is not well conserved in available vertebrate species. In addition, this alteration is predicted to be tolerated by in silico analysis. Since supporting evidence is limited at this time, the clinical significance of this alteration remains unclear.

Baylor Genetics
Classification: Uncertain significance for Familial cancer of breast. Last evaluated: 2023-08-17. Review status: criteria provided, single submitter. Criteria: ACMG Guidelines, 2015. Collection method: clinical testing. Allele origin: unknown.

All of Us Research Program, National Institutes of Health
Classification: Uncertain significance for Breast-ovarian cancer, familial, susceptibility to, 2. Last evaluated: 2023-06-28. Review status: criteria provided, single submitter. Criteria: ACMG Guidelines, 2015. Collection method: clinical testing. Allele origin: germline. Inheritance: Autosomal dominant inheritance. Observed: 1 variant allele, 1 heterozygote.
Comment: This study involves interpretation of variants in research participants for the purpose of population health screening. Participant phenotype was not available at the time of variant classification. Additional details can be found in publication PMID: 35346344, PMCID: PMC8962531

Quest Diagnostics Nichols Institute San Juan Capistrano
Classification: Uncertain significance. Last evaluated: 2023-06-09. Review status: criteria provided, single submitter. Criteria: Quest Diagnostics criteria. Collection method: clinical testing. Allele origin: unknown.
Comment: In the published literature, this variant has been reported in individuals with lung cancer (PMID: 28843361 (2017), 26689913 (2015)). The frequency of this variant in the general population, 0.000004 (1/251012 chromosomes (Genome Aggregation Database)), is uninformative in the assessment of its pathogenicity. Analysis of this variant using bioinformatics tools for the prediction of the effect of amino acid changes on protein structure and function yielded predictions that this variant is benign. Based on the available information, we are unable to determine the clinical significance of this variant.

GeneDx
Classification: Uncertain significance. Last evaluated: 2022-01-28. Review status: criteria provided, single submitter. Criteria: GeneDx Variant Classification Process June 2021. Collection method: clinical testing. Allele origin: germline. Affected: yes.
Comment: Observed in individuals with lung cancer (Lu 2015, Parry 2017); Not observed at significant frequency in large population cohorts (gnomAD); In silico analysis supports that this missense variant does not alter protein structure/function; Also known as 7323T>A; This variant is associated with the following publications: (PMID: 26689913, 28843361)

Women's Health and Genetics/Laboratory Corporation of America, LabCorp
Classification: Uncertain significance. Last evaluated: 2019-04-15. Review status: criteria provided, single submitter. Criteria: LabCorp Variant Classification Summary - May 2015. Collection method: clinical testing. Allele origin: germline.
Comment: Variant summary: BRCA2 c.7095T>A (p.His2365Gln) results in a non-conservative amino acid change in the encoded protein sequence. Three of five in-silico tools predict a benign effect of the variant on protein function. The variant allele was found at a frequency of 4e-06 in 251012 control chromosomes (gnomAD). The available data on variant occurrences in the general population are insufficient to allow any conclusion about variant significance. c.7095T>A has been reported in the literature in individuals affected with lung adenocarcinoma (Parry_2017, Lu_NatCommun_2015). However, these reports do not provide unequivocal conclusions about association of the variant with Hereditary Breast and Ovarian Cancer. Co-occurrences with other pathogenic variant have been reported (BRCA1 c.5080G>T, p.Glu1694X), providing supporting evidence for a benign role (UMD database). To our knowledge, no experimental evidence demonstrating an impact on protein function has been reported. Three clinical diagnostic laboratories have submitted clinical-significance assessments for this variant to ClinVar after 2014 without evidence for independent evaluation. All laboratories classified the variant as uncertain significance. Based on the evidence outlined above, the variant was classified as uncertain significance.

CHEO Genetics Diagnostic Laboratory, Children's Hospital of Eastern Ontario
Classification: Uncertain significance for Breast and/or ovarian cancer. Last evaluated: 2019-04-02. Review status: criteria provided, single submitter. Criteria: ACMG Guidelines, 2015. Collection method: clinical testing. Allele origin: germline.

PreventionGenetics, part of Exact Sciences
Classification: Uncertain significance for BRCA2-related condition. Last evaluated: 2024-01-18. Review status: no assertion criteria provided. Collection method: clinical testing. Allele origin: germline. Not counted in ClinVar's aggregate classification.
Comment: The BRCA2 c.7095T>A variant is predicted to result in the amino acid substitution p.His2365Gln. This variant has been observed in individuals with lung adenocarcinoma (Supp. Data 12, Lu et al. 2015. PubMed ID: 26689913; Table S1, Parry et al. 2017. PubMed ID: 28843361). This variant is reported in 0.00088% of alleles in individuals of European (Non-Finnish) descent in gnomAD. It is interpreted as uncertain significance in ClinVar. At this time, the clinical significance of this variant is uncertain due to the absence of conclusive functional and genetic evidence.

Literature cited by the submitters: PubMed 26689913 (cited by 4 submitters); PubMed 28843361 (cited by 4 submitters); PubMed 32658311 (cited by Quest Diagnostics Nichols Institute San Juan Capistrano).

NM_000059.4(BRCA2):c.7095T>A (p.His2365Gln)

Gene: BRCA2 (BRCA2 DNA repair associated; plus strand). Cytogenetic location: 13q13.1.
Variant type: single nucleotide variant.
Coding change: c.7095T>A on transcript NM_000059.4 (MANE Select); coding-DNA position 7095, T replaced by A.
Protein change: p.His2365Gln; replaces histidine 2365 with glutamine.
Molecular consequence: missense variant.
Genome position (GRCh38, 1-based): chr13:32,354,948, T>A. VCF-style: chr13-32354948-T-A. GRCh37 (hg19) VCF-style: chr13-32929085-T-A.
Other names: short protein forms H2365Q.
Identifiers: ClinVar variation 216255 (VCV000216255.29), dbSNP rs370708814, ClinGen allele CA339258.